The following is an entry in ClinVar:

ClinVar aggregate classification (germline): Uncertain significance (1 of 4 stars; one submission).

Submission:

Labcorp Genetics (formerly Invitae), Labcorp
Classification: Uncertain significance. Last evaluated: 2022-03-05. Review status: criteria provided, single submitter. Criteria: Invitae Variant Classification Sherloc (09022015). Collection method: clinical testing. Allele origin: germline.
Comment: In summary, the available evidence is currently insufficient to determine the role of this variant in disease. Therefore, it has been classified as a Variant of Uncertain Significance. Algorithms developed to predict the effect of missense changes on protein structure and function (SIFT, PolyPhen-2, Align-GVGD) all suggest that this variant is likely to be tolerated. This variant has not been reported in the literature in individuals affected with ASAH1-related conditions. This variant is not present in population databases (gnomAD no frequency). This sequence change replaces lysine, which is basic and polar, with arginine, which is basic and polar, at codon 151 of the ASAH1 protein (p.Lys151Arg).

NM_177924.5(ASAH1):c.452A>G (p.Lys151Arg)

Gene: ASAH1 (N-acylsphingosine amidohydrolase 1; minus strand). Cytogenetic location: 8p22.
Variant type: single nucleotide variant.
Coding change: c.452A>G on transcript NM_177924.5 (MANE Select); coding-DNA position 452, A replaced by G.
Protein change: p.Lys151Arg; replaces lysine 151 with arginine.
Molecular consequence: missense variant.
Genome position (GRCh38, 1-based): chr8:18,064,462, T>C on the plus strand (A>G on the coding strand, the complement: ASAH1 is on the minus strand). VCF-style: chr8-18064462-T-C. GRCh37 (hg19) VCF-style: chr8-17921971-T-C.
Other names: c.434A>G, p.Lys145Arg (NM_001127505.3); c.257A>G, p.Lys86Arg (NM_001363743.2); c.500A>G, p.Lys167Arg (NM_004315.6); short protein forms K145R, K167R, K86R, K151R.
Identifiers: ClinVar variation 2058328 (VCV002058328.2), dbSNP rs2537937572, ClinGen allele CA370431490.